The following is an entry in ClinVar:

ClinVar aggregate classification (germline): Pathogenic/Likely pathogenic. Review status: criteria provided, multiple submitters, no conflicts (2 of 4 stars). 3 submissions from 3 submitters: Pathogenic (1); Likely pathogenic (2). Last evaluated 2025-06-12.

Conditions:
Propionic acidemia (PROP). Also called: GLYCINEMIA, KETOTIC; HYPERGLYCINEMIA WITH KETOACIDOSIS AND LEUKOPENIA; KETOTIC HYPERGLYCINEMIA. Identifiers: Orphanet 35, MedGen C0268579, MONDO:0011628, OMIM 606054, HP:0003571.

Allele frequency attached by ClinVar (database versions not stated): TOPMed below 0.00001; gnomAD 0.00001; gnomAD exomes 0.00001.
gnomAD v4.1: 9 of 1,609,798 alleles (0.00056%); highest among the groups gnomAD compares: Middle Eastern, 0.017%; no homozygotes.

Submissions (3):

Natera, Inc.
Classification: Likely pathogenic for Propionic acidemia. Last evaluated: 2025-06-12. Review status: criteria provided, single submitter. Criteria: Natera Variant Classification Schema (03/2026). Collection method: clinical testing. Allele origin: germline.
Comment: The c.230G>A variant in PCCA is a missense variant predicted to cause substitution of arginine to glutamine at amino acid 77. This variant is rare in the general population with a frequency below the threshold expected for the associated phenotype(s). This variant has been observed in one or more individuals affected with the associated recessive disease, as either homozygous or compound heterozygous with a second variant (PMID: 24464666). A different variant at the same position has been determined to be Pathogenic or Likely Pathogenic. Computational prediction algorithms indicate this variant is likely to affect gene or protein function. Given the available evidence, this variant is classified as Likely Pathogenic.

Labcorp Genetics (formerly Invitae), Labcorp
Classification: Pathogenic for Propionic acidemia. Last evaluated: 2025-04-02. Review status: criteria provided, single submitter. Criteria: Invitae Variant Classification Sherloc (09022015). Collection method: clinical testing. Allele origin: germline.
Comment: This sequence change replaces arginine, which is basic and polar, with glutamine, which is neutral and polar, at codon 77 of the PCCA protein (p.Arg77Gln). This variant is present in population databases (no rsID available, gnomAD 0.003%). This missense change has been observed in individual(s) with propionic acidemia (PMID: 24464666). In at least one individual the data is consistent with being in trans (on the opposite chromosome) from a pathogenic variant. ClinVar contains an entry for this variant (Variation ID: 631693). An algorithm developed to predict the effect of missense changes on protein structure and function (PolyPhen-2) suggests that this variant is likely to be disruptive. This variant disrupts the p.Arg77 amino acid residue in PCCA. Other variant(s) that disrupt this residue have been determined to be pathogenic (PMID: 10780784, 15059621, 20549364, 24863100). This suggests that this residue is clinically significant, and that variants that disrupt this residue are likely to be disease-causing. For these reasons, this variant has been classified as Pathogenic.

Revvity Omics, Revvity
Classification: Likely pathogenic for Propionic acidemia. Last evaluated: 2024-09-30. Review status: criteria provided, single submitter. Criteria: ACMG Guidelines, 2015. Collection method: clinical testing. Allele origin: germline.

Literature cited by the submitters: PubMed 24464666 (cited by Natera, Inc. and Labcorp Genetics (formerly Invitae), Labcorp); PubMed 10780784 (cited by Labcorp Genetics (formerly Invitae), Labcorp); PubMed 15059621 (cited by Labcorp Genetics (formerly Invitae), Labcorp); PubMed 20549364 (cited by Labcorp Genetics (formerly Invitae), Labcorp); PubMed 24863100 (cited by Labcorp Genetics (formerly Invitae), Labcorp).

NM_000282.4(PCCA):c.230G>A (p.Arg77Gln)

Gene: PCCA (propionyl-CoA carboxylase subunit alpha; plus strand). Cytogenetic location: 13q32.3.
Variant type: single nucleotide variant.
Coding change: c.230G>A on transcript NM_000282.4 (MANE Select); coding-DNA position 230, G replaced by A.
Protein change: p.Arg77Gln; replaces arginine 77 with glutamine.
Molecular consequence: missense variant. On other transcripts: 5 prime UTR variant (3), non-coding transcript variant (5).
Genome position (GRCh38, 1-based): chr13:100,111,887, G>A. VCF-style: chr13-100111887-G-A. GRCh37 (hg19) VCF-style: chr13-100764141-G-A.
Other names: c.152G>A, p.Arg51Gln (NM_001127692.3, NM_001352607.2, NM_001352608.2); c.230G>A, p.Arg77Gln (NM_001178004.2, NM_001352605.2, NM_001352606.2 and 1 more transcripts); c.-637G>A (NM_001352610.2, NM_001352611.2, NM_001352612.2); short protein forms R77Q, R51Q.
Identifiers: ClinVar variation 631693 (VCV000631693.15), dbSNP rs1387778734, ClinGen allele CA388693074.
Genomic context (GRCh38, chr13:100,111,887, plus strand): 5'-TTTTCTCTCTTCAGACTTTTGATAAAATTCTTGTTGCTAATAGAGGAGAAATTGCATGTC[G>A]GGTGAGTAGAATTTTCGTCTTATTTTCCATTTTACTCTGAAATTATTTATTAAACCCCTT-3'
Protein context (NP_000273.2, residues 67-87): LVANRGEIAC[Arg77Gln]VIRTCKKMGI